The following is an entry in ClinVar:

ClinVar aggregate classification (germline): Uncertain significance (1 of 4 stars; one submission).

Conditions:
Wilms tumor 1 (WT1). Also called: Wilms tumor, somatic. Identifiers: Orphanet 654, MedGen CN033288, MONDO:0008679, OMIM 194070.
11p partial monosomy syndrome (WAGR). Also called: WAGR Spectrum Disorder; CHROMOSOME 11p13 DELETION SYNDROME; WAGR syndrome; WAGR Complex. Identifiers: Orphanet 893, MedGen C0206115, MONDO:0008681, OMIM 194072.
Frasier syndrome. Identifiers: Orphanet 347, MedGen C0950122, MeSH D052159, MONDO:0007635, OMIM 136680.
Drash syndrome (DDS). Also called: WILMS TUMOR AND PSEUDO- OR TRUE HERMAPHRODITISM; NEPHROPATHY, WILMS TUMOR, AND GENITAL ANOMALIES. Identifiers: Orphanet 220, MedGen C0950121, MONDO:0008682, OMIM 194080.

Submission:

Labcorp Genetics (formerly Invitae), Labcorp
Classification: Uncertain significance for Wilms tumor 1; Drash syndrome; 11p partial monosomy syndrome; Frasier syndrome. Last evaluated: 2022-10-24. Review status: criteria provided, single submitter. Criteria: Invitae Variant Classification Sherloc (09022015). Collection method: clinical testing. Allele origin: germline.
Comment: This sequence change replaces methionine, which is neutral and non-polar, with lysine, which is basic and polar, at codon 505 of the WT1 protein (p.Met505Lys). This variant is not present in population databases (gnomAD no frequency). This variant has not been reported in the literature in individuals affected with WT1-related conditions. ClinVar contains an entry for this variant (Variation ID: 1009879). Algorithms developed to predict the effect of missense changes on protein structure and function (SIFT, PolyPhen-2, Align-GVGD) all suggest that this variant is likely to be disruptive. In summary, the available evidence is currently insufficient to determine the role of this variant in disease. Therefore, it has been classified as a Variant of Uncertain Significance.

NM_024426.6(WT1):c.1529T>A (p.Met510Lys)

Gene: WT1 (WT1 transcription factor; minus strand). Cytogenetic location: 11p13.
Variant type: single nucleotide variant.
Coding change: c.1529T>A on transcript NM_024426.6 (MANE Select); coding-DNA position 1529, T replaced by A.
Protein change: p.Met510Lys; replaces methionine 510 with lysine.
Molecular consequence: missense variant. On other transcripts: non-coding transcript variant (1).
Genome position (GRCh38, 1-based): chr11:32,389,098, A>T on the plus strand (T>A on the coding strand, the complement: WT1 is on the minus strand). VCF-style: chr11-32389098-A-T. GRCh37 (hg19) VCF-style: chr11-32410644-A-T.
Other names: c.1469T>A, p.Met490Lys (NM_000378.6); c.869T>A, p.Met290Lys (NM_001198551.2); c.827T>A, p.Met276Lys (NM_001198552.2); c.341T>A, p.Met114Lys (NM_001367854.1); c.1514T>A, p.Met505Lys (NM_001407044.1); c.1478T>A, p.Met493Lys (NM_001407045.1); c.1436T>A, p.Met479Lys (NM_001407046.1); c.1397T>A, p.Met466Lys (NM_001407047.1); and 6 more; short protein forms M114K, M276K, M290K, M490K, M507K, M510K, M463K, M466K.
Identifiers: ClinVar variation 1009879 (VCV001009879.10), dbSNP rs1851743827, ClinGen allele CA379957540.